The following is an entry in ClinVar:

Conditions:
Breast-ovarian cancer, familial, susceptibility to, 1 (BROVCA1). Also called: BRCA1 Hereditary Breast and Ovarian Cancer; OVARIAN CANCER, SUSCEPTIBILITY TO. Identifiers: Orphanet 145, MedGen C2676676, MONDO:0011450, OMIM 604370. Disease mechanism: loss of function.

Submission:

Brotman Baty Institute, University of Washington
No classification provided (evidence only). Condition: Breast-ovarian cancer, familial 1. Review status: no classification provided. Collection method: in vitro. Allele origin: not applicable. Functional consequence: functionally_normal.
ClinVar note: "not provided" was previously submitted as the classification for the variant. However, the classification appeared to be based only on an observation of functional data so it was converted to no classification on 2025-07-30.

NM_007294.4(BRCA1):c.5536C>G (p.Gln1846Glu)

Gene: BRCA1 (BRCA1 DNA repair associated; minus strand). Cytogenetic location: 17q21.31.
Variant type: single nucleotide variant.
Coding change: c.5536C>G on transcript NM_007294.4 (MANE Select); coding-DNA position 5536, C replaced by G.
Protein change: p.Gln1846Glu; replaces glutamine 1846 with glutamic acid.
Molecular consequence: missense variant. On other transcripts: 3 prime UTR variant (1), non-coding transcript variant (1).
Genome position (GRCh38, 1-based): chr17:43,045,734, G>C on the plus strand (C>G on the coding strand, the complement: BRCA1 is on the minus strand). VCF-style: chr17-43045734-G-C. GRCh37 (hg19) VCF-style: chr17-41197751-G-C.
Other names: c.5536C>G, p.Gln1846Glu (NM_001407605.1, NM_001407593.1, NM_001407594.1 and 5 more transcripts); c.5533C>G, p.Gln1845Glu (NM_001407610.1, NM_001407611.1, NM_001407612.1 and 14 more transcripts); c.5530C>G, p.Gln1844Glu (NM_001407628.1, NM_001407629.1, NM_001407630.1 and 13 more transcripts); c.5479C>G, p.Gln1827Glu (NM_001407648.1); c.5476C>G, p.Gln1826Glu (NM_001407649.1); c.5458C>G, p.Gln1820Glu (NM_001407652.1, NM_001407653.1, NM_001407654.1 and 1 more transcripts); c.5455C>G, p.Gln1819Glu (NM_001407656.1, NM_001407657.1, NM_001407658.1); c.5452C>G, p.Gln1818Glu (NM_001407659.1, NM_001407660.1, NM_001407661.1 and 2 more transcripts); and 74 more; short protein forms Q1867E, Q1799E, Q1846E, Q742E, Q1677E, Q1692E, Q1734E, Q1756E.
Identifiers: ClinVar variation 864984 (VCV000864984.3), dbSNP rs80356873, ClinGen allele CA10590251.